The following is an entry in ClinVar:

NM_000277.3(PAH):c.1056del (p.Glu353fs)

Gene: PAH (phenylalanine hydroxylase; minus strand). Cytogenetic location: 12q23.2.
Variant type: Deletion.
Coding change: c.1056del on transcript NM_000277.3 (MANE Select); coding-DNA position 1056, one base deleted (T; older notation c.1056delT).
Protein change: p.Glu353fs; shifts the reading frame from glutamic acid 353.
Molecular consequence: frameshift variant.
Genome position (GRCh38, 1-based): chr12:102,844,345, A deleted on the plus strand (T on the coding strand, the reverse complement: PAH is on the minus strand). VCF-style (leftmost placement, unchanged base first): chr12-102844344-CA-C. GRCh37 (hg19) VCF-style: chr12-103238122-CA-C.
Other names: NM_000277.3(PAH):c.1056del; p.Glu353fs; c.1056del (NM_000277.1); c.1056del, p.Glu353fs (NM_001354304.2); short protein forms E353fs.
Identifiers: ClinVar variation 102499 (VCV000102499.3), dbSNP rs62507350, ClinGen allele CA229312.

ClinVar aggregate classification (germline): Pathogenic. Review status: reviewed by expert panel (3 of 4 stars). 3 submissions from 3 submitters: Pathogenic (1). 2 of the submissions do not count toward it. Last evaluated 2022-06-12.

Conditions:
Phenylketonuria (PKU). Also called: Phenylketonuria (PKU); FOLLING DISEASE; OLIGOPHRENIA PHENYLPYRUVICA; Phenylketonurias. Identifiers: Orphanet 716, MedGen C0031485, MONDO:0009861, OMIM 261600. Disease mechanism: loss of function.
Intellectual disability. Also called: Intellectual developmental disorder; intellectual disabilities; Intellectual functioning disability. Identifiers: MedGen C3714756, MeSH D008607, MONDO:0001071, HP:0001249.

Submissions (3):

ClinGen PAH Variant Curation Expert Panel
Classification: Pathogenic for Phenylketonuria. Last evaluated: 2022-06-12. Review status: reviewed by expert panel. Criteria: ClinGen PAH ACMG Specifications v1. Collection method: curation. Allele origin: germline. Inheritance: Autosomal recessive inheritance.
Comment: The c.1056del (p.Glu353AsnfsTer47) frameshift variant in PAH is predicted to terminate at codon 400 in exon 12, and would not undergo nonsense mediated-decay. This variant was reported in 4 patients within a Spanish cohort with mild and classic PKU. A defect in the synthesis or regeneration pathways 6R-BH4 was ruled out by analyzing urinary pterin levels as well as by measuring the dihydropteridine reductase activity (PMID 27121329). The variant was identified in trans with 4 pathogenic variants: p.Ala403Val, p.Ile306Val, c.1066-11G>A and p.Glu280Lys (PMID 27121329). This variant is absent from gnomAD. In summary, this variant meets criteria to be classified as pathogenic for PAH. PAH-specific ACMG/AMP criteria applied: PVS1_strong, PM2, PM3 very strong, and PP4 moderate.

Centre de Biologie Pathologie Génétique, Centre Hospitalier Universitaire de Lille
Classification: Likely benign for Intellectual disability. Last evaluated: 2019-01-01. Review status: no assertion criteria provided. Collection method: clinical testing. Allele origin: inherited. Affected: yes. Not counted in ClinVar's aggregate classification.

DeBelle Laboratory for Biochemical Genetics, MUHC/MCH RESEARCH INSTITUTE
No classification provided. Review status: no classification provided. Collection method: not provided. Allele origin: not provided. Not counted in ClinVar's aggregate classification.